The following is an entry in ClinVar:

NM_001009999.3(KDM1A):c.203C>T (p.Ala68Val)

Gene: KDM1A (lysine demethylase 1A; plus strand). Cytogenetic location: 1p36.12.
Variant type: single nucleotide variant.
Coding change: c.203C>T on transcript NM_001009999.3 (MANE Select); coding-DNA position 203, C replaced by T.
Protein change: p.Ala68Val; replaces alanine 68 with valine.
Molecular consequence: missense variant.
Genome position (GRCh38, 1-based): chr1:23,019,799, C>T. VCF-style: chr1-23019799-C-T. GRCh37 (hg19) VCF-style: chr1-23346292-C-T.
Other names: c.203C>T, p.Ala68Val (NM_001363654.2, NM_001410762.1, NM_001410763.1 and 1 more transcripts); c.203C>T (NM_001009999.2); short protein forms A68V.
Identifiers: ClinVar variation 2821569 (VCV002821569.4), dbSNP rs2522471946, ClinGen allele CA338951545.

ClinVar aggregate classification (germline): Uncertain significance. Review status: criteria provided, multiple submitters, no conflicts (2 of 4 stars). 2 submissions from 2 submitters: Uncertain significance (2). Last evaluated 2025-02-02.

Conditions:
Inborn genetic diseases. Identifiers: MedGen C0950123, MeSH D030342.

gnomAD v4.1: 4 of 1,389,610 alleles (0.00029%); highest among the groups gnomAD compares: Non-Finnish European, 0.00037%; no homozygotes.

Submissions (2):

Ambry Genetics
Classification: Uncertain significance for Inborn genetic diseases. Last evaluated: 2025-02-02. Review status: criteria provided, single submitter. Criteria: Ambry Variant Classification Scheme 2023. Collection method: clinical testing. Allele origin: germline.
Comment: The p.A68V variant (also known as c.203C>T), located in coding exon 1 of the KDM1A gene, results from a C to T substitution at nucleotide position 203. The alanine at codon 68 is replaced by valine, an amino acid with similar properties. This amino acid position is conserved. In addition, this alteration is predicted to be tolerated by in silico analysis. Based on the available evidence, the clinical significance of this variant remains unclear.

Labcorp Genetics (formerly Invitae), Labcorp
Classification: Uncertain significance. Last evaluated: 2023-11-22. Review status: criteria provided, single submitter. Criteria: Invitae Variant Classification Sherloc (09022015). Collection method: clinical testing. Allele origin: germline.
Comment: This sequence change replaces alanine, which is neutral and non-polar, with valine, which is neutral and non-polar, at codon 68 of the KDM1A protein (p.Ala68Val). This variant is not present in population databases (gnomAD no frequency). This variant has not been reported in the literature in individuals affected with KDM1A-related conditions. An algorithm developed to predict the effect of missense changes on protein structure and function (PolyPhen-2) suggests that this variant is likely to be disruptive. In summary, the available evidence is currently insufficient to determine the role of this variant in disease. Therefore, it has been classified as a Variant of Uncertain Significance.